The following is an entry in ClinVar:

ClinVar aggregate classification (germline): Uncertain significance (1 of 4 stars; one submission).

Conditions:
Immunodeficiency 39 (IMD39). Identifiers: Orphanet 574918, MedGen C4225358, MONDO:0014597, OMIM 616345.

Submission:

Labcorp Genetics (formerly Invitae), Labcorp
Classification: Uncertain significance for Immunodeficiency 39. Last evaluated: 2025-05-22. Review status: criteria provided, single submitter. Criteria: Invitae Variant Classification Sherloc (09022015). Collection method: clinical testing. Allele origin: germline.
Comment: This sequence change replaces alanine, which is neutral and non-polar, with valine, which is neutral and non-polar, at codon 272 of the IRF7 protein (p.Ala272Val). This variant is not present in population databases (gnomAD no frequency). This variant has not been reported in the literature in individuals affected with IRF7-related conditions. Invitae Evidence Modeling of protein sequence and biophysical properties (such as structural, functional, and spatial information, amino acid conservation, physicochemical variation, residue mobility, and thermodynamic stability) indicates that this missense variant is not expected to disrupt IRF7 protein function with a negative predictive value of 80%. In summary, the available evidence is currently insufficient to determine the role of this variant in disease. Therefore, it has been classified as a Variant of Uncertain Significance.

NM_001572.5(IRF7):c.776C>T (p.Ala259Val)

Gene: IRF7 (interferon regulatory factor 7; minus strand). Cytogenetic location: 11p15.5.
Variant type: single nucleotide variant.
Coding change: c.776C>T on transcript NM_001572.5 (MANE Select); coding-DNA position 776, C replaced by T.
Protein change: p.Ala259Val; replaces alanine 259 with valine.
Molecular consequence: missense variant.
Genome position (GRCh38, 1-based): chr11:613,856, G>A on the plus strand (C>T on the coding strand, the complement: IRF7 is on the minus strand). VCF-style: chr11-613856-G-A. GRCh37 (hg19) VCF-style: chr11-613856-G-A.
Other names: c.812C>T, p.Ala271Val (NM_001440440.1); c.773C>T, p.Ala258Val (NM_001440442.1); c.728C>T, p.Ala243Val (NM_001440444.1); c.686C>T, p.Ala229Val (NM_001440445.1); c.404C>T, p.Ala135Val (NM_001440446.1); c.689C>T, p.Ala230Val (NM_004029.4); c.815C>T, p.Ala272Val (NM_004031.4); short protein forms A258V, A243V, A230V, A271V, A135V, A229V, A259V, A272V.
Identifiers: ClinVar variation 4701805 (VCV004701805.1).
Genomic context (GRCh38, chr11:613,856, plus strand): 5'-GTGCAGGCGCTTGGGGAGGGTGACAGGTACGGCTCTGCCTGGTGCGGGGACTCTGGGGCC[G>A]CGGCCTCGCCTGCATCCGGAAGGGAATCCTGTGCTGGCACCTCATCCCTAGCCTCTCCCT-3'
Protein context (NP_001563.2, residues 249-269): QPAALTTGEA[Ala259Val]APESPHQAEP